The following is an entry in ClinVar:

ClinVar aggregate classification (germline): Likely benign (1 of 4 stars; one submission).

Allele frequency attached by ClinVar (database versions not stated): ExAC 0.00003; gnomAD 0.00003; TOPMed 0.00001.
gnomAD v4.1: 36 of 1,571,260 alleles (0.0023%); highest among the groups gnomAD compares: Middle Eastern, 0.033%; no homozygotes.

Submission:

CeGaT Center for Human Genetics Tuebingen
Classification: Likely benign. Last evaluated: 2022-12-01. Review status: criteria provided, single submitter. Criteria: CeGaT Center For Human Genetics Tuebingen Variant Classification Criteria Version 2. Collection method: clinical testing. Allele origin: germline. Affected: yes. Observed: 1 variant allele.
Comment: FAM222A: BP4, BP7

NM_032829.3(FAM222A):c.1038G>A (p.Ala346=)

Genes: FAM222A (family with sequence similarity 222 member A; plus strand), FAM222A-AS1 (FAM222A antisense RNA 1; minus strand). Cytogenetic location: 12q24.11.
Variant type: single nucleotide variant.
Coding change: c.1038G>A on transcript NM_032829.3 (MANE Select); coding-DNA position 1038, G replaced by A.
Protein change: p.Ala346=; no amino-acid change (alanine 346 retained).
Molecular consequence: synonymous variant.
Genome position (GRCh38, 1-based): chr12:109,768,967, G>A. VCF-style: chr12-109768967-G-A. GRCh37 (hg19) VCF-style: chr12-110206772-G-A.
Identifiers: ClinVar variation 2643281 (VCV002643281.24), dbSNP rs372613814, ClinGen allele CA6779736.